The following is an entry in ClinVar:

ClinVar aggregate classification (germline): Benign/Likely benign. Review status: criteria provided, multiple submitters, no conflicts (2 of 4 stars). 3 submissions from 3 submitters: Benign (1); Likely benign (1). 1 of the submissions does not count toward it. Last evaluated 2025-08-14.

Conditions:
Fibrous dysplasia of jaw (CRBM). Also called: Cherubism. Identifiers: Orphanet 184, MedGen C0008029, MONDO:0007315, OMIM 118400.
SH3BP2-related disorder. Also called: SH3BP2-related condition.

Allele frequency attached by ClinVar (database versions not stated): gnomAD exomes 0.00003 and 0.00009; gnomAD 0.00004; TOPMed 0.00006; ExAC 0.00014; 1000 Genomes Project 30x 0.00016; 1000 Genomes Project 0.00020.
gnomAD v4.1: 54 of 1,609,430 alleles (0.0034%); highest among the groups gnomAD compares: East Asian, 0.11%; no homozygotes.

Submissions (3):

Labcorp Genetics (formerly Invitae), Labcorp
Classification: Benign for Fibrous dysplasia of jaw. Last evaluated: 2025-08-14. Review status: criteria provided, single submitter. Criteria: Invitae Variant Classification Sherloc (09022015). Collection method: clinical testing. Allele origin: germline.

Laboratory of Genetics, Children's Clinical University Hospital Latvia
Classification: Likely benign. Last evaluated: 2025-02-16. Review status: criteria provided, single submitter. Criteria: ACMG Guidelines, 2015. Collection method: clinical testing. Allele origin: germline. Affected: yes.

PreventionGenetics, part of Exact Sciences
Classification: Likely benign for SH3BP2-related condition. Last evaluated: 2023-10-06. Review status: no assertion criteria provided. Collection method: clinical testing. Allele origin: germline. Not counted in ClinVar's aggregate classification.
Comment: This variant is classified as likely benign based on ACMG/AMP sequence variant interpretation guidelines (Richards et al. 2015 PMID: 25741868, with internal and published modifications).

NM_001122681.2(SH3BP2):c.1549-7C>T

Gene: SH3BP2 (SH3 domain binding protein 2; plus strand). Cytogenetic location: 4p16.3.
Variant type: single nucleotide variant.
Coding change: c.1549-7C>T on transcript NM_001122681.2 (MANE Select); 7 bases into the intron before coding-DNA position 1549, C replaced by T.
Molecular consequence: intron variant.
Genome position (GRCh38, 1-based): chr4:2,833,690, C>T. VCF-style: chr4-2833690-C-T. GRCh37 (hg19) VCF-style: chr4-2835417-C-T.
Other names: c.1633-7C>T (NM_001145855.2); c.1720-7C>T (NM_001145856.2); c.1549-7C>T (NM_003023.4).
Identifiers: ClinVar variation 1600689 (VCV001600689.11), dbSNP rs148481218, ClinGen allele CA2819630.